The following is an entry in ClinVar:

NM_004959.5(NR5A1):c.271G>A (p.Gly91Ser)

Gene: NR5A1 (nuclear receptor subfamily 5 group A member 1; minus strand). Cytogenetic location: 9q33.3.
Variant type: single nucleotide variant.
Coding change: c.271G>A on transcript NM_004959.5 (MANE Select); coding-DNA position 271, G replaced by A.
Protein change: p.Gly91Ser; replaces glycine 91 with serine.
Molecular consequence: missense variant.
Genome position (GRCh38, 1-based): chr9:124,500,689, C>T on the plus strand (G>A on the coding strand, the complement: NR5A1 is on the minus strand). VCF-style: chr9-124500689-C-T. GRCh37 (hg19) VCF-style: chr9-127262968-C-T.
Other names: c.271G>A (NM_004959.4); short protein forms G91S.
Identifiers: ClinVar variation 12802 (VCV000012802.2), dbSNP rs104894126, ClinGen allele CA122717.

ClinVar aggregate classification (germline): Likely pathogenic. Review status: criteria provided, single submitter (1 of 4 stars). 2 submissions from 2 submitters: Likely pathogenic (1). 1 of the submissions does not count toward it. Last evaluated 2024-10-10.

Conditions:
46,XY sex reversal 3. Also called: NR5A1-related 46,XY complete gonadal dysgenesis; 46,XY SEX REVERSAL, PARTIAL OR COMPLETE, NR5A1-RELATED; 46,XY GONADAL DYSGENESIS, PARTIAL OR COMPLETE, WITH OR WITHOUT ADRENAL FAILURE; DISORDER OF SEX DEVELOPMENT, 46,XY, NR5A1-RELATED; SEX REVERSAL, XY, WITH OR WITHOUT ADRENAL FAILURE. Identifiers: MedGen C3489793, MONDO:0013066, OMIM 612965.

Submissions (2):

GeneDx
Classification: Likely pathogenic. Last evaluated: 2024-10-10. Review status: criteria provided, single submitter. Criteria: GeneDx Variant Classification Process June 2021. Collection method: clinical testing. Allele origin: germline. Affected: yes.
Comment: Identified in a patient with 46,XY differences of sexual development (PMID: 17200175); Published functional studies demonstrate decreased protein expression and decreased SOX9 and SRY transcription activity (PMID: 30067310, 17200175); Not observed at significant frequency in large population cohorts (gnomAD); In silico analysis supports that this missense variant has a deleterious effect on protein structure/function; This variant is associated with the following publications: (PMID: 30067310, 17200175)

OMIM
Classification: Pathogenic for 46,XY SEX REVERSAL 3. Last evaluated: 2007-03-01. Review status: no assertion criteria provided. Collection method: literature only. Allele origin: germline. Not counted in ClinVar's aggregate classification.

Literature cited by the submitters: PubMed 17200175 (cited by OMIM).